The following is an entry in ClinVar:

ClinVar aggregate classification (germline): Likely benign (1 of 4 stars; one submission).

gnomAD v4.1: 47 of 1,613,320 alleles (0.0029%); highest among the groups gnomAD compares: Middle Eastern, 0.016%; no homozygotes.

Submission:

CeGaT Center for Human Genetics Tuebingen
Classification: Likely benign. Last evaluated: 2025-10-01. Review status: criteria provided, single submitter. Criteria: CeGaT Center For Human Genetics Tuebingen Variant Classification Criteria Version 2. Collection method: clinical testing. Allele origin: germline. Affected: yes. Observed: 1 variant allele.
Comment: SCAF4: BP4, BP7

NM_020706.2(SCAF4):c.897C>T (p.Thr299=)

Gene: SCAF4 (SR-related CTD associated factor 4; minus strand). Cytogenetic location: 21q22.11.
Variant type: single nucleotide variant.
Coding change: c.897C>T on transcript NM_020706.2 (MANE Select); coding-DNA position 897, C replaced by T.
Protein change: p.Thr299=; no amino-acid change (threonine 299 retained).
Molecular consequence: synonymous variant.
Genome position (GRCh38, 1-based): chr21:31,696,631, G>A on the plus strand (C>T on the coding strand, the complement: SCAF4 is on the minus strand). VCF-style: chr21-31696631-G-A. GRCh37 (hg19) VCF-style: chr21-33068944-G-A.
Other names: c.852C>T, p.Thr284= (NM_001145444.1); c.897C>T, p.Thr299= (NM_001145445.1).
Identifiers: ClinVar variation 4534259 (VCV004534259.6).